The following is an entry in ClinVar:

ClinVar aggregate classification (germline): Pathogenic/Likely pathogenic. Review status: criteria provided, multiple submitters, no conflicts (2 of 4 stars). 2 submissions from 2 submitters: Pathogenic (1); Likely pathogenic (1). Last evaluated 2024-05-30.

Conditions:
Fanconi anemia (FA). Also called: Fanconi's anemia. Identifiers: Orphanet 84, MedGen C0015625, MeSH D005199, MONDO:0019391.
Fanconi anemia complementation group C (FANCC). Also called: Fanconi anemia, group C; FANCC-Related Fanconi Anemia; FANCONI PANCYTOPENIA, TYPE 3; FACC. Identifiers: Orphanet 84, MedGen C3468041, MONDO:0009213, OMIM 227645.

Submissions (2):

Fulgent Genetics
Classification: Likely pathogenic for Fanconi anemia complementation group C. Last evaluated: 2024-05-30. Review status: criteria provided, single submitter. Criteria: ACMG Guidelines, 2015. Collection method: clinical testing. Allele origin: germline.

Labcorp Genetics (formerly Invitae), Labcorp
Classification: Pathogenic for Fanconi anemia. Last evaluated: 2020-12-19. Review status: criteria provided, single submitter. Criteria: Invitae Variant Classification Sherloc (09022015). Collection method: clinical testing. Allele origin: germline.
Comment: For these reasons, this variant has been classified as Pathogenic. This variant disrupts the C-terminus of the FANCC protein. Other variant(s) that disrupt this region (p.Arg548*) have been determined to be pathogenic (PMID: 8103176, 24584348, Invitae). This suggests that variants that disrupt this region of the protein are likely to be causative of disease. Algorithms developed to predict the effect of sequence changes on RNA splicing suggest that this variant may create or strengthen a splice site, but this prediction has not been confirmed by published transcriptional studies. This variant has not been reported in the literature in individuals with FANCC-related conditions. This variant is not present in population databases (ExAC no frequency). This sequence change creates a premature translational stop signal (p.Trp497*) in the FANCC gene. While this is not anticipated to result in nonsense mediated decay, it is expected to disrupt the last 62 amino acid(s) of the FANCC protein.

Literature cited by the submitters: PubMed 8103176 (cited by Labcorp Genetics (formerly Invitae), Labcorp); PubMed 24584348 (cited by Labcorp Genetics (formerly Invitae), Labcorp).

NM_000136.3(FANCC):c.1490G>A (p.Trp497Ter)

Genes: FANCC (FA complementation group C; minus strand), AOPEP (aminopeptidase O (putative); plus strand). Cytogenetic location: 9q22.32.
Variant type: single nucleotide variant.
Coding change: c.1490G>A on transcript NM_000136.3 (MANE Select); coding-DNA position 1490, G replaced by A.
Protein change: p.Trp497Ter; replaces tryptophan 497 with a stop codon.
Molecular consequence: nonsense.
Genome position (GRCh38, 1-based): chr9:95,107,109, C>T on the plus strand (G>A on the coding strand, the complement: FANCC is on the minus strand). VCF-style: chr9-95107109-C-T. GRCh37 (hg19) VCF-style: chr9-97869391-C-T.
Other names: c.1490G>A, p.Trp497Ter (NM_001243743.2); short protein forms W497*.
Identifiers: ClinVar variation 1454367 (VCV001454367.9), dbSNP rs762501862, ClinGen allele CA374105647.
Genomic context (GRCh38, chr9:95,107,109, plus strand): 5'-ACCACAGGGAGACTTACCAGGGTGATGACATCCCAGGCGATCGTGTGGCCTCCAGGAGCC[C>T]AGAGCAGGAAGTTGAGGAGAAGGTGCCTGATCAGCTGTTGTGCAGGAGCTCTGAGGTCTG-3'